The following is an entry in ClinVar:

ClinVar aggregate classification (germline): Uncertain significance (1 of 4 stars; one submission).

Submission:

GeneDx
Classification: Uncertain significance. Last evaluated: 2025-05-29. Review status: criteria provided, single submitter. Criteria: GeneDx Variant Classification Process June 2021. Collection method: clinical testing. Allele origin: germline. Affected: yes.
Comment: Not observed at significant frequency in large population cohorts (gnomAD); In silico analysis suggests that this missense variant does not alter protein structure/function; Has not been previously published as pathogenic or benign to our knowledge

NM_002547.3(OPHN1):c.286G>A (p.Glu96Lys)

Gene: OPHN1 (oligophrenin 1; minus strand). Cytogenetic location: Xq12.
Variant type: single nucleotide variant.
Coding change: c.286G>A on transcript NM_002547.3 (MANE Select); coding-DNA position 286, G replaced by A.
Protein change: p.Glu96Lys; replaces glutamic acid 96 with lysine.
Molecular consequence: missense variant.
Genome position (GRCh38, 1-based): chrX:68,283,082, C>T on the plus strand (G>A on the coding strand, the complement: OPHN1 is on the minus strand). VCF-style: chrX-68283082-C-T. GRCh37 (hg19) VCF-style: chrX-67502924-C-T.
Other names: c.286G>A, p.Glu96Lys (NM_001437258.1); short protein forms E96K.
Identifiers: ClinVar variation 4532661 (VCV004532661.1).